The following is an entry in ClinVar:

ClinVar aggregate classification (germline): Likely benign (1 of 4 stars; one submission).

Conditions:
DCHS1-related disorder. Also called: DCHS1-related condition.

gnomAD v4.1: 2 of 1,611,140 alleles (0.00012%); highest among the groups gnomAD compares: South Asian, 0.0011%; no homozygotes.

Submission:

PreventionGenetics, part of Exact Sciences
Classification: Likely benign for DCHS1-related condition. Last evaluated: 2026-08-26. Review status: criteria provided, single submitter. Criteria: ACMG Guidelines, 2015. Collection method: clinical testing. Allele origin: germline.
Comment: This variant is classified as likely benign based on ACMG/AMP sequence variant interpretation guidelines (Richards et al. 2015 PMID: 25741868, with internal and published modifications).

NM_003737.4(DCHS1):c.5583G>T (p.Ser1861=)

Gene: DCHS1 (dachsous cadherin-related 1; minus strand). Cytogenetic location: 11p15.4.
Variant type: single nucleotide variant.
Coding change: c.5583G>T on transcript NM_003737.4 (MANE Select); coding-DNA position 5583, G replaced by T.
Protein change: p.Ser1861=; no amino-acid change (serine 1861 retained).
Molecular consequence: synonymous variant.
Genome position (GRCh38, 1-based): chr11:6,627,456, C>A on the plus strand (G>T on the coding strand, the complement: DCHS1 is on the minus strand). VCF-style: chr11-6627456-C-A. GRCh37 (hg19) VCF-style: chr11-6648687-C-A.
Identifiers: ClinVar variation 4987394 (VCV004987394.1).